The following is an entry in ClinVar:

ClinVar aggregate classification (germline): Conflicting classifications of pathogenicity. Review status: criteria provided, conflicting classifications (1 of 4 stars). 10 submissions from 8 submitters: Uncertain significance (2); Benign (2); Likely benign (5). 1 of the submissions does not count toward it. Last evaluated 2026-08-01.

Conditions:
KIT-related disorder. Also called: KIT-related condition.
Hereditary cancer-predisposing syndrome. Also called: Hereditary neoplastic syndrome; Hereditary Cancer Syndrome; Neoplastic Syndromes, Hereditary; Tumor predisposition. Identifiers: Orphanet 140162, MedGen C0027672, MeSH D009386, MONDO:0015356.
Mastocytosis. Also called: Mast Cell Disease. Identifiers: Orphanet 98292, MedGen C0024899, MONDO:0007950, HP:0100495.
Gastrointestinal stromal tumor. Also called: Gastrointestinal stroma tumor; Gastrointestinal stromal tumor, somatic. Identifiers: Orphanet 44890, MedGen C0238198, MeSH D046152, MONDO:0011719, OMIM 606764, HP:0100723.
Piebaldism. Also called: Piebald skin depigmentation. Identifiers: Orphanet 2884, MedGen C0080024, MONDO:0008244, OMIM 172800, HP:0007544.

Allele frequency attached by ClinVar (database versions not stated): TOPMed 0.00013; 1000 Genomes Project 30x 0.00016; ExAC 0.00016; 1000 Genomes Project 0.00020; gnomAD exomes 0.00022 and 0.00034; ESP Exome Variant Server 0.00038.

Submissions (10):

CeGaT Center for Human Genetics Tuebingen
Classification: Likely benign. Last evaluated: 2026-08-01. Review status: criteria provided, single submitter. Criteria: CeGaT Center For Human Genetics Tuebingen Variant Classification Criteria Version 2. Collection method: clinical testing. Allele origin: germline. Affected: yes. Observed: 4 variant alleles.
Comment: KIT: BP4, BP7

Myriad Genetics, Inc.
Classification: Benign for Gastrointestinal stromal tumor. Last evaluated: 2026-06-04. Review status: criteria provided, single submitter. Criteria: Myriad Autosomal Dominant, Autosomal Recessive and X-Linked Classification Criteria (2023). Collection method: clinical testing. Allele origin: unknown.
Comment: This variant is considered benign. This variant is a silent/synonymous amino acid change and it is not expected to impact splicing.

Labcorp Genetics (formerly Invitae), Labcorp
Classification: Likely benign for Gastrointestinal stromal tumor. Last evaluated: 2026-02-04. Review status: criteria provided, single submitter. Criteria: Invitae Variant Classification Sherloc (09022015). Collection method: clinical testing. Allele origin: germline.

KCCC/NGS Laboratory, Kuwait Cancer Control Center
Classification: Benign for Gastrointestinal stromal tumor. Last evaluated: 2025-02-01. Review status: criteria provided, single submitter. Criteria: ACMG Guidelines, 2015. Collection method: clinical testing. Allele origin: germline. Affected: no.

Blueprint Genetics
Classification: Likely benign. Last evaluated: 2024-10-08. Review status: criteria provided, single submitter. Criteria: ACMG Guidelines, 2015. Collection method: clinical testing. Allele origin: germline.

Ambry Genetics
Classification: Likely benign for Hereditary cancer-predisposing syndrome. Last evaluated: 2018-11-26. Review status: criteria provided, single submitter. Criteria: Ambry Variant Classification Scheme 2023. Collection method: clinical testing. Allele origin: germline.

Illumina Laboratory Services, Illumina
Classification: Likely benign for Cutaneous mastocytosis. Last evaluated: 2017-04-27. Review status: criteria provided, single submitter. Criteria: ICSL Variant Classification Criteria 13 December 2019. Collection method: clinical testing. Allele origin: germline.
Comment: This variant was observed as part of a predisposition screen in an ostensibly healthy population. A literature search was performed for the gene, cDNA change, and amino acid change (where applicable). Publications were found based on this search. The evidence from the literature, in combination with allele frequency data from public databases where available, was sufficient to determine this variant is unlikely to cause disease. Therefore, this variant is classified as likely benign.

Illumina Laboratory Services, Illumina
Classification: Uncertain significance for Piebaldism. Last evaluated: 2017-04-27. Review status: criteria provided, single submitter. Criteria: ICSL Variant Classification Criteria 13 December 2019. Collection method: clinical testing. Allele origin: germline.
Comment: This variant was observed as part of a predisposition screen in an ostensibly healthy population. A literature search was performed for the gene, cDNA change, and amino acid change (where applicable). Publications were found based on this search. However, the evidence from the literature, in combination with allele frequency data from public databases where available, was not sufficient to rule this variant in or out of causing disease. Therefore, this variant is classified as a variant of unknown significance.

Illumina Laboratory Services, Illumina
Classification: Uncertain significance for Gastrointestinal stromal tumor. Last evaluated: 2017-04-27. Review status: criteria provided, single submitter. Criteria: ICSL Variant Classification Criteria 13 December 2019. Collection method: clinical testing. Allele origin: germline.
Comment: the same text as in the submission from Illumina Laboratory Services, Illumina above.

PreventionGenetics, part of Exact Sciences
Classification: Likely benign for KIT-related condition. Last evaluated: 2019-12-03. Review status: no assertion criteria provided. Collection method: clinical testing. Allele origin: germline. Not counted in ClinVar's aggregate classification.
Comment: This variant is classified as likely benign based on ACMG/AMP sequence variant interpretation guidelines (Richards et al. 2015 PMID: 25741868, with internal and published modifications).

Literature cited by the submitters: PubMed 25079768 (cited by Illumina Laboratory Services, Illumina); PubMed 24205792 (cited by Illumina Laboratory Services, Illumina); PubMed 20205869 (cited by Illumina Laboratory Services, Illumina); PubMed 20140688 (cited by Illumina Laboratory Services, Illumina).

NM_000222.3(KIT):c.2349C>T (p.Leu783=)

Gene: KIT (KIT proto-oncogene, receptor tyrosine kinase; plus strand). Cytogenetic location: 4q12.
Variant type: single nucleotide variant.
Coding change: c.2349C>T on transcript NM_000222.3 (MANE Select); coding-DNA position 2349, C replaced by T.
Protein change: p.Leu783=; no amino-acid change (leucine 783 retained).
Molecular consequence: synonymous variant.
Genome position (GRCh38, 1-based): chr4:54,731,986, C>T. VCF-style: chr4-54731986-C-T. GRCh37 (hg19) VCF-style: chr4-55598152-C-T.
Other names: c.2337C>T, p.Leu779= (NM_001093772.2, NM_001385292.1); c.2352C>T, p.Leu784= (NM_001385284.1); c.2346C>T, p.Leu782= (NM_001385285.1); c.2334C>T, p.Leu778= (NM_001385286.1); c.2340C>T, p.Leu780= (NM_001385288.1); c.2349C>T, p.Leu783= (NM_001385290.1).
Identifiers: ClinVar variation 237260 (VCV000237260.48), dbSNP rs151046591, ClinGen allele CA2923718.